The following is an entry in ClinVar:

NM_144686.4(TMC4):c.203A>G (p.Lys68Arg)

Gene: TMC4 (transmembrane channel like 4; minus strand). Cytogenetic location: 19q13.42.
Variant type: single nucleotide variant.
Coding change: c.203A>G on transcript NM_144686.4 (MANE Select); coding-DNA position 203, A replaced by G.
Protein change: p.Lys68Arg; replaces lysine 68 with arginine.
Molecular consequence: missense variant.
Genome position (GRCh38, 1-based): chr19:54,171,960, T>C on the plus strand (A>G on the coding strand, the complement: TMC4 is on the minus strand). VCF-style: chr19-54171960-T-C. GRCh37 (hg19) VCF-style: chr19-54675729-T-C.
Other names: c.221A>G, p.Lys74Arg (NM_001145303.3); short protein forms K68R, K74R.
Identifiers: ClinVar variation 3038372 (VCV003038372.2), dbSNP rs114495857, ClinGen allele CA309344801.
Genomic context (GRCh38, chr19:54,171,960, plus strand): 5'-GGCAGTTCCCGGGAAGGGTGAGGGTCCTGCAGCTCTGTCTGGGTGACTTCTGTGAAGGCC[T>C]TTCTGCTCCTTCCTCCATCCTCCTCCTCCTCCTCCAGCGCCCCCCAAGGCAGCACCCCAG-3'
Protein context (NP_653287.2, residues 58-78): EEEEDGGRSR[Lys68Arg]AFTEVTQTEL

ClinVar aggregate classification (germline): Likely benign (0 of 4 stars; one submission).

Conditions:
TMC4-related disorder. Also called: TMC4-related condition.

Allele frequency attached by ClinVar (database versions not stated): 1000 Genomes Project 30x 0.00141; 1000 Genomes Project 0.00160; gnomAD 0.00208; ExAC 0.00242; ESP Exome Variant Server 0.00261; TOPMed 0.00275; gnomAD exomes 0.00322.

Submission:

PreventionGenetics, part of Exact Sciences
Classification: Likely benign for TMC4-related condition. Last evaluated: 2022-02-04. Review status: no assertion criteria provided. Collection method: clinical testing. Allele origin: germline.
Comment: This variant is classified as likely benign based on ACMG/AMP sequence variant interpretation guidelines (Richards et al. 2015 PMID: 25741868, with internal and published modifications).